The following is an entry in ClinVar:

NM_000487.6(ARSA):c.986C>G (p.Thr329Ser)

Gene: ARSA (arylsulfatase A; minus strand). Cytogenetic location: 22q13.33.
Variant type: single nucleotide variant.
Coding change: c.986C>G on transcript NM_000487.6 (MANE Select); coding-DNA position 986, C replaced by G.
Protein change: p.Thr329Ser; replaces threonine 329 with serine.
Molecular consequence: missense variant.
Genome position (GRCh38, 1-based): chr22:50,626,057, G>C on the plus strand (C>G on the coding strand, the complement: ARSA is on the minus strand). VCF-style: chr22-50626057-G-C. GRCh37 (hg19) VCF-style: chr22-51064485-G-C.
Other names: c.986C>G, p.Thr329Ser (NM_001085425.3, NM_001085426.3, NM_001085427.3); c.728C>G, p.Thr243Ser (NM_001085428.3, NM_001362782.2); short protein forms T329S, T243S.
Identifiers: ClinVar variation 1980867 (VCV001980867.2), dbSNP rs398123418, ClinGen allele CA412172611.

ClinVar aggregate classification (germline): Uncertain significance. Review status: criteria provided, multiple submitters, no conflicts (2 of 4 stars). 2 submissions from 2 submitters: Uncertain significance (2). Last evaluated 2024-11-11.

Conditions:
Metachromatic leukodystrophy (MLD). Also called: SULFATIDE LIPIDOSIS; ARSA DEFICIENCY; CEREBROSIDE SULFATASE DEFICIENCY; Cerebral sclerosis diffuse metachromatic form; Arylsulfatase A Deficiency; METACHROMATIC LEUKOENCEPHALOPATHY. Identifiers: Orphanet 512, MedGen C0023522, MONDO:0018868, OMIM 250100.

gnomAD v4.1: 2 of 1,594,520 alleles (0.00013%); highest among the groups gnomAD compares: South Asian, 0.0011%; no homozygotes.

Submissions (2):

Women's Health and Genetics/Laboratory Corporation of America, LabCorp
Classification: Uncertain significance. Last evaluated: 2024-11-11. Review status: criteria provided, single submitter. Criteria: LabCorp Variant Classification Summary - May 2015. Collection method: clinical testing. Allele origin: germline.

Labcorp Genetics (formerly Invitae), Labcorp
Classification: Uncertain significance for Metachromatic leukodystrophy. Last evaluated: 2022-06-27. Review status: criteria provided, single submitter. Criteria: Invitae Variant Classification Sherloc (09022015). Collection method: clinical testing. Allele origin: germline.
Comment: This sequence change replaces threonine, which is neutral and polar, with serine, which is neutral and polar, at codon 329 of the ARSA protein (p.Thr329Ser). The frequency data for this variant in the population databases is considered unreliable, as metrics indicate poor data quality at this position in the gnomAD database. This variant has not been reported in the literature in individuals affected with ARSA-related conditions. Advanced modeling of protein sequence and biophysical properties (such as structural, functional, and spatial information, amino acid conservation, physicochemical variation, residue mobility, and thermodynamic stability) performed at Invitae indicates that this missense variant is expected to disrupt ARSA protein function. This variant disrupts the p.Thr329 amino acid residue in ARSA. Other variant(s) that disrupt this residue have been determined to be pathogenic (PMID: 10477432). This suggests that this residue is clinically significant, and that variants that disrupt this residue are likely to be disease-causing. In summary, the available evidence is currently insufficient to determine the role of this variant in disease. Therefore, it has been classified as a Variant of Uncertain Significance.

Literature cited by the submitters: PubMed 10477432 (cited by Labcorp Genetics (formerly Invitae), Labcorp).